The following is an entry in ClinVar:

ClinVar aggregate classification (germline): Uncertain significance (1 of 4 stars; one submission).

Submission:

GeneDx
Classification: Uncertain significance. Last evaluated: 2019-05-03. Review status: criteria provided, single submitter. Criteria: GeneDx Variant Classification Process June 2021. Collection method: clinical testing. Allele origin: germline. Affected: yes.
Comment: Not observed in large population cohorts (Lek et al., 2016); In silico analysis, which includes protein predictors and evolutionary conservation, supports a deleterious effect; Has not been previously published as pathogenic or benign to our knowledge

NM_015570.4(AUTS2):c.3329A>G (p.Tyr1110Cys)

Gene: AUTS2 (activator of transcription and developmental regulator AUTS2; plus strand). Cytogenetic location: 7q11.22.
Variant type: single nucleotide variant.
Coding change: c.3329A>G on transcript NM_015570.4 (MANE Select); coding-DNA position 3329, A replaced by G.
Protein change: p.Tyr1110Cys; replaces tyrosine 1110 with cysteine.
Molecular consequence: missense variant.
Genome position (GRCh38, 1-based): chr7:70,790,545, A>G. VCF-style: chr7-70790545-A-G. GRCh37 (hg19) VCF-style: chr7-70255531-A-G.
Other names: c.3257A>G, p.Tyr1086Cys (NM_001127231.3); short protein forms Y1086C, Y1110C.
Identifiers: ClinVar variation 1302691 (VCV001302691.2), dbSNP rs2129561679, ClinGen allele CA367665960.